The following is an entry in ClinVar:

NM_004638.4(PRRC2A):c.5862G>A (p.Ser1954=)

Gene: PRRC2A (proline rich coiled-coil 2A; plus strand). Cytogenetic location: 6p21.33.
Variant type: single nucleotide variant.
Coding change: c.5862G>A on transcript NM_004638.4 (MANE Select); coding-DNA position 5862, G replaced by A.
Protein change: p.Ser1954=; no amino-acid change (serine 1954 retained).
Molecular consequence: synonymous variant.
Genome position (GRCh38, 1-based): chr6:31,636,536, G>A. VCF-style: chr6-31636536-G-A. GRCh37 (hg19) VCF-style: chr6-31604313-G-A.
Other names: c.5862G>A, p.Ser1954= (NM_080686.3).
Identifiers: ClinVar variation 3355698 (VCV003355698.1).

ClinVar aggregate classification (germline): Likely benign (0 of 4 stars; one submission).

Conditions:
PRRC2A-related disorder. Also called: PRRC2A-related condition.

gnomAD v4.1: 12 of 1,608,948 alleles (0.00075%); highest among the groups gnomAD compares: East Asian, 0.0022%; no homozygotes.

Submission:

PreventionGenetics, part of Exact Sciences
Classification: Likely benign for PRRC2A-related condition. Last evaluated: 2024-09-10. Review status: no assertion criteria provided. Collection method: clinical testing. Allele origin: germline.
Comment: This variant is classified as likely benign based on ACMG/AMP sequence variant interpretation guidelines (Richards et al. 2015 PMID: 25741868, with internal and published modifications).